The following is an entry in ClinVar:

NM_004333.6(BRAF):c.1310G>A (p.Arg437Gln)

Gene: BRAF (B-Raf proto-oncogene, serine/threonine kinase; minus strand). Cytogenetic location: 7q34.
Variant type: single nucleotide variant.
Coding change: c.1310G>A on transcript NM_004333.6 (MANE Select); coding-DNA position 1310, G replaced by A.
Protein change: p.Arg437Gln; replaces arginine 437 with glutamine.
Molecular consequence: missense variant.
Genome position (GRCh38, 1-based): chr7:140,783,025, C>T on the plus strand (G>A on the coding strand, the complement: BRAF is on the minus strand). VCF-style: chr7-140783025-C-T. GRCh37 (hg19) VCF-style: chr7-140482825-C-T.
Other names: c.1310G>A, p.Arg437Gln (NM_001354609.2); c.1430G>A, p.Arg477Gln (NM_001374244.1, NM_001374258.1); short protein forms R477Q, R437Q.
Identifiers: ClinVar variation 802375 (VCV000802375.6), dbSNP rs998233805, ClinGen allele CA168091693.

ClinVar aggregate classification (germline): Conflicting classifications of pathogenicity. Review status: criteria provided, conflicting classifications (1 of 4 stars). 2 submissions from 2 submitters: Uncertain significance (1); Likely benign (1). Last evaluated 2025-12-10.

Conditions:
Cardiofaciocutaneous syndrome 1 (CFC1). Also called: BRAF-Related Cardiofaciocutaneous Syndrome; MAP2K1-Related Cardiofaciocutaneous Syndrome; KRAS-Related Cardiofaciocutaneous Syndrome; MAP2K2-Related Cardiofaciocutaneous Syndrome. Identifiers: Orphanet 1340, MedGen CN029449, MONDO:0007265, OMIM 115150. Disease mechanism: gain of function.
RASopathy. Also called: rasopathies; Noonan spectrum disorder. Identifiers: Orphanet 536391, MedGen C5555857, MONDO:0021060.

Allele frequency attached by ClinVar (database versions not stated): gnomAD exomes below 0.00001; TOPMed 0.00002.
gnomAD v4.1: 1 of 1,613,536 alleles (0.000062%); highest among the groups gnomAD compares: Admixed American, 0.0017%; no homozygotes.

Submissions (2):

Labcorp Genetics (formerly Invitae), Labcorp
Classification: Uncertain significance for RASopathy. Last evaluated: 2025-12-10. Review status: criteria provided, single submitter. Criteria: Invitae Variant Classification Sherloc (09022015). Collection method: clinical testing. Allele origin: germline.
Comment: This sequence change replaces arginine, which is basic and polar, with glutamine, which is neutral and polar, at codon 437 of the BRAF protein (p.Arg437Gln). This variant is not present in population databases (gnomAD no frequency). This variant has not been reported in the literature in individuals affected with BRAF-related conditions. ClinVar contains an entry for this variant (Variation ID: 802375). Invitae Evidence Modeling of protein sequence and biophysical properties (such as structural, functional, and spatial information, amino acid conservation, physicochemical variation, residue mobility, and thermodynamic stability) indicates that this missense variant is not expected to disrupt BRAF protein function with a negative predictive value of 80%. In summary, the available evidence is currently insufficient to determine the role of this variant in disease. Therefore, it has been classified as a Variant of Uncertain Significance.

Mendelics
Classification: Likely benign for Cardiofaciocutaneous syndrome 1. Last evaluated: 2019-05-28. Review status: criteria provided, single submitter. Criteria: Mendelics Assertion Criteria 2017. Collection method: clinical testing. Allele origin: unknown.